The following is an entry in ClinVar:

ClinVar aggregate classification (germline): Uncertain significance (1 of 4 stars; one submission).

gnomAD v4.1: 1 of 1,614,238 alleles (0.000062%); no homozygotes.

Submission:

Mayo Clinic Laboratories, Mayo Clinic
Classification: Uncertain significance. Last evaluated: 2025-02-12. Review status: criteria provided, single submitter. Criteria: ACMG Guidelines, 2015. Collection method: clinical testing. Allele origin: germline. Observed: 1 variant allele.
Comment: PM2_supporting

NM_003383.5(VLDLR):c.1316A>G (p.Lys439Arg)

Gene: VLDLR (very low density lipoprotein receptor; plus strand). Cytogenetic location: 9p24.2.
Variant type: single nucleotide variant.
Coding change: c.1316A>G on transcript NM_003383.5 (MANE Select); coding-DNA position 1316, A replaced by G.
Protein change: p.Lys439Arg; replaces lysine 439 with arginine.
Molecular consequence: missense variant.
Genome position (GRCh38, 1-based): chr9:2,645,577, A>G. VCF-style: chr9-2645577-A-G. GRCh37 (hg19) VCF-style: chr9-2645577-A-G.
Other names: p.Lys439Arg; c.1316A>G, p.Lys439Arg (NM_001018056.3); c.1193A>G, p.Lys398Arg (NM_001322225.2, NM_001322226.2); short protein forms K398R, K439R.
Identifiers: ClinVar variation 4541417 (VCV004541417.1).
Genomic context (GRCh38, chr9:2,645,577, plus strand): 5'-TAGAAAGACCTTGCCTTCTTAAAGCAAAACTAAGTAACCCAGACTTCCATCTTGCAGGCA[A>G]AGAGCCAAGTCTGATCTTCACTAATCGAAGAGACATCAGGAAGATTGGCTTAGAGAGGAA-3'
Protein context (NP_003374.3, residues 429-449): LATGVCKAVG[Lys439Arg]EPSLIFTNRR